The following is an entry in ClinVar:

NM_002691.4(POLD1):c.2311G>A (p.Ala771Thr)

Gene: POLD1 (DNA polymerase delta 1, catalytic subunit; plus strand). Cytogenetic location: 19q13.33.
Variant type: single nucleotide variant.
Coding change: c.2311G>A on transcript NM_002691.4 (MANE Select); coding-DNA position 2311, G replaced by A.
Protein change: p.Ala771Thr; replaces alanine 771 with threonine.
Molecular consequence: missense variant. On other transcripts: non-coding transcript variant (1).
Genome position (GRCh38, 1-based): chr19:50,413,802, G>A. VCF-style: chr19-50413802-G-A. GRCh37 (hg19) VCF-style: chr19-50917059-G-A.
Other names: c.2311G>A, p.Ala771Thr (NM_001256849.1); c.2389G>A, p.Ala797Thr (NM_001308632.1); short protein forms A771T, A797T.
Identifiers: ClinVar variation 2771694 (VCV002771694.3), dbSNP rs757846450, ClinGen allele CA9596479.

ClinVar aggregate classification (germline): Uncertain significance (1 of 4 stars; one submission).

Conditions:
POLD1-related polyposis and colorectal cancer syndrome (CRCS10). Also called: Colorectal cancer 10; Colorectal cancer, susceptibility to, 10; COLORECTAL CANCER, SUSCEPTIBILITY TO, ON CHROMOSOME 19q. Identifiers: Orphanet 220460, MedGen C2675481, MONDO:0012953, OMIM 612591.

Allele frequency attached by ClinVar (database versions not stated): gnomAD exomes below 0.00001; ExAC 0.00001.
gnomAD v4.1: 1 of 1,612,730 alleles (0.000062%); highest among the groups gnomAD compares: Non-Finnish European, 0.000085%; no homozygotes.

Submission:

Labcorp Genetics (formerly Invitae), Labcorp
Classification: Uncertain significance for POLD1-related polyposis and colorectal cancer syndrome. Last evaluated: 2023-10-25. Review status: criteria provided, single submitter. Criteria: Invitae Variant Classification Sherloc (09022015). Collection method: clinical testing. Allele origin: germline.
Comment: This sequence change replaces alanine, which is neutral and non-polar, with threonine, which is neutral and polar, at codon 771 of the POLD1 protein (p.Ala771Thr). The frequency data for this variant in the population databases is considered unreliable, as metrics indicate poor data quality at this position in the gnomAD database. This variant has not been reported in the literature in individuals affected with POLD1-related conditions. Advanced modeling of protein sequence and biophysical properties (such as structural, functional, and spatial information, amino acid conservation, physicochemical variation, residue mobility, and thermodynamic stability) performed at Invitae indicates that this missense variant is not expected to disrupt POLD1 protein function with a negative predictive value of 80%. In summary, the available evidence is currently insufficient to determine the role of this variant in disease. Therefore, it has been classified as a Variant of Uncertain Significance.